The following is an entry in ClinVar:

NM_020719.3(PRR12):c.5195C>A (p.Pro1732His)

Gene: PRR12 (proline rich 12; plus strand). Cytogenetic location: 19q13.33.
Variant type: single nucleotide variant.
Coding change: c.5195C>A on transcript NM_020719.3 (MANE Select); coding-DNA position 5195, C replaced by A.
Protein change: p.Pro1732His; replaces proline 1732 with histidine.
Molecular consequence: missense variant.
Genome position (GRCh38, 1-based): chr19:49,615,917, C>A. VCF-style: chr19-49615917-C-A. GRCh37 (hg19) VCF-style: chr19-50119174-C-A.
Other names: short protein forms P1732H.
Identifiers: ClinVar variation 4883604 (VCV004883604.2).
Genomic context (GRCh38, chr19:49,615,917, plus strand): 5'-AGAAGCCCCCAGAGCAGACTCCTGAGACGGCCATGCCTGAGCCCCCTGCCCCCGAGAAGC[C>A]CTCCCTCCTGCGGCCTGTTGAGAAGGAAAAGGAGAAGGAGAAGGTGACACGTGGAGAGCG-3'
Protein context (NP_065770.1, residues 1722-1742): AMPEPPAPEK[Pro1732His]SLLRPVEKEK

ClinVar aggregate classification (germline): Uncertain significance (1 of 4 stars; one submission).

Conditions:
Neuroocular syndrome. Identifiers: MedGen C5551362, MONDO:0859193.

Submission:

Dasa
Classification: Uncertain significance for Neuroocular syndrome. Last evaluated: 2024-12-27. Review status: criteria provided, single submitter. Criteria: DASA Assertion Criteria. Collection method: clinical testing. Allele origin: germline.
Comment: NM_020719.3(PRR12):c.5195C>A (p.Pro1732His) is a missense variant that results in the substitution of proline with histidine. This variant is rare in population databases. Computational prediction algorithms are consistent with a benign effect. The currently available literature and clinical evidence are not sufficient to establish a definitive association between this variant and the reported condition. Therefore, this variant is classified as a variant of uncertain significance.